The following is an entry in ClinVar:

NM_004301.5(ACTL6A):c.1165C>T (p.Arg389Trp)

Gene: ACTL6A (actin like 6A; plus strand). Cytogenetic location: 3q26.33.
Variant type: single nucleotide variant.
Coding change: c.1165C>T on transcript NM_004301.5 (MANE Select); coding-DNA position 1165, C replaced by T.
Protein change: p.Arg389Trp; replaces arginine 389 with tryptophan.
Molecular consequence: missense variant.
Genome position (GRCh38, 1-based): chr3:179,586,588, C>T. VCF-style: chr3-179586588-C-T. GRCh37 (hg19) VCF-style: chr3-179304376-C-T.
Other names: c.1039C>T, p.Arg347Trp (NM_177989.4, NM_178042.4); c.1039C>T (NM_178042.3); short protein forms R347W, R389W.
Identifiers: ClinVar variation 1177319 (VCV001177319.3), dbSNP rs199792283, ClinGen allele CA355279468.
Genomic context (GRCh38, chr3:179,586,588, plus strand): 5'-CATATTCTTCTATTTCAGAGTATGCGGTTGAAATTGATTGCAAATAATACAACAGTGGAA[C>T]GGAGGTTTAGCTCATGGATTGGCGGCTCCATTCTAGCCTCTTTGGTTAGTAGATGAGCTA-3'
Protein context (NP_004292.1, residues 379-399): KLIANNTTVE[Arg389Trp]RFSSWIGGSI

ClinVar aggregate classification (germline): Uncertain significance. Review status: criteria provided, multiple submitters, no conflicts (2 of 4 stars). 2 submissions from 2 submitters: Uncertain significance (2). Last evaluated 2021-06-10.

Conditions:
ACTL6A-related BAFopathy. Identifiers: MedGen CN306938, MONDO:0700121.

gnomAD v4.1: 1 of 1,597,492 alleles (0.000063%); highest among the groups gnomAD compares: Non-Finnish European, 0.000085%; no homozygotes.

Submissions (2):

Baylor Genetics
Classification: Uncertain significance for ACTL6A-related BAFopathy. Last evaluated: 2021-06-10. Review status: criteria provided, single submitter. Criteria: ACMG Guidelines, 2015. Collection method: clinical testing. Allele origin: de novo. Affected: yes.

GeneDx
Classification: Uncertain significance. Last evaluated: 2021-01-11. Review status: criteria provided, single submitter. Criteria: GeneDx Variant Classification Process June 2021. Collection method: clinical testing. Allele origin: germline. Affected: yes.
Comment: Not observed in large population cohorts (Lek et al., 2016); In silico analysis supports that this missense variant has a deleterious effect on protein structure/function; Has not been previously published as pathogenic or benign to our knowledge